The following is an entry in ClinVar:

ClinVar aggregate classification (germline): Uncertain significance (1 of 4 stars; one submission).

Conditions:
Immunodeficiency. Identifiers: MedGen C0021051, MONDO:0021094, HP:0002721.

Submission:

Labcorp Genetics (formerly Invitae), Labcorp
Classification: Uncertain significance for Immunodeficiency. Last evaluated: 2022-08-23. Review status: criteria provided, single submitter. Criteria: Invitae Variant Classification Sherloc (09022015). Collection method: clinical testing. Allele origin: germline.
Comment: In summary, the available evidence is currently insufficient to determine the role of this variant in disease. Therefore, it has been classified as a Variant of Uncertain Significance. This sequence change replaces aspartic acid, which is acidic and polar, with histidine, which is basic and polar, at codon 85 of the NFAT5 protein (p.Asp85His). This variant is not present in population databases (gnomAD no frequency). This variant has not been reported in the literature in individuals affected with NFAT5-related conditions. ClinVar contains an entry for this variant (Variation ID: 1484224). Algorithms developed to predict the effect of missense changes on protein structure and function are either unavailable or do not agree on the potential impact of this missense change (SIFT: "Deleterious"; PolyPhen-2: "Probably Damaging"; Align-GVGD: "Class C0").

NM_138713.4(NFAT5):c.535G>C (p.Asp179His)

Gene: NFAT5 (nuclear factor of activated T cells 5; plus strand). Cytogenetic location: 16q22.1.
Variant type: single nucleotide variant.
Coding change: c.535G>C on transcript NM_138713.4 (MANE Select); coding-DNA position 535, G replaced by C.
Protein change: p.Asp179His; replaces aspartic acid 179 with histidine.
Molecular consequence: missense variant. On other transcripts: intron variant (1).
Genome position (GRCh38, 1-based): chr16:69,647,309, G>C. VCF-style: chr16-69647309-G-C. GRCh37 (hg19) VCF-style: chr16-69681212-G-C.
Other names: c.535G>C, p.Asp179His (NM_001113178.3); c.481G>C, p.Asp161His (NM_006599.4); c.253G>C, p.Asp85His (NM_138714.4, NM_173214.3, NM_173215.3); c.140+142G>C (NM_001367709.1); short protein forms D161H, D85H, D179H.
Identifiers: ClinVar variation 1484224 (VCV001484224.8), dbSNP rs748172080, ClinGen allele CA396484881.